The following is an entry in ClinVar:

NM_001004127.3(ALG11):c.535G>A (p.Ala179Thr)

Gene: ALG11 (ALG11 alpha-1,2-mannosyltransferase; plus strand). Cytogenetic location: 13q14.3.
Variant type: single nucleotide variant.
Coding change: c.535G>A on transcript NM_001004127.3 (MANE Select); coding-DNA position 535, G replaced by A.
Protein change: p.Ala179Thr; replaces alanine 179 with threonine.
Molecular consequence: missense variant.
Genome position (GRCh38, 1-based): chr13:52,024,265, G>A. VCF-style: chr13-52024265-G-A. GRCh37 (hg19) VCF-style: chr13-52598401-G-A.
Other names: short protein forms A179T.
Identifiers: ClinVar variation 312412 (VCV000312412.12), dbSNP rs202195109, ClinGen allele CA6989929.

ClinVar aggregate classification (germline): Conflicting classifications of pathogenicity. Review status: criteria provided, conflicting classifications (1 of 4 stars). 3 submissions from 3 submitters: Uncertain significance (2); Likely benign (1). Last evaluated 2022-09-19.

Conditions:
ALG11-congenital disorder of glycosylation. Also called: CONGENITAL DISORDER OF GLYCOSYLATION, TYPE Ip; ALG11-CDG. Identifiers: Orphanet 280071, MedGen C3150913, MONDO:0013349, OMIM 613661.
Inborn genetic diseases. Identifiers: MedGen C0950123, MeSH D030342.

Allele frequency attached by ClinVar (database versions not stated): gnomAD exomes 0.00008 and 0.00018; ExAC 0.00013; ESP Exome Variant Server 0.00015; gnomAD 0.00016 and 0.00021; TOPMed 0.00032.
gnomAD v4.1: 166 of 1,613,966 alleles (0.01%); highest among the groups gnomAD compares: Middle Eastern, 0.066%; no homozygotes.

Submissions (3):

Ambry Genetics
Classification: Likely benign for Inborn genetic diseases. Last evaluated: 2022-09-19. Review status: criteria provided, single submitter. Criteria: Ambry Variant Classification Scheme 2023. Collection method: clinical testing. Allele origin: germline.

Labcorp Genetics (formerly Invitae), Labcorp
Classification: Uncertain significance for ALG11-congenital disorder of glycosylation. Last evaluated: 2022-08-01. Review status: criteria provided, single submitter. Criteria: Invitae Variant Classification Sherloc (09022015). Collection method: clinical testing. Allele origin: germline.
Comment: This sequence change replaces alanine, which is neutral and non-polar, with threonine, which is neutral and polar, at codon 179 of the ALG11 protein (p.Ala179Thr). This variant is present in population databases (rs202195109, gnomAD 0.2%). This variant has not been reported in the literature in individuals affected with ALG11-related conditions. ClinVar contains an entry for this variant (Variation ID: 312412). Algorithms developed to predict the effect of missense changes on protein structure and function output the following: SIFT: "Tolerated"; PolyPhen-2: "Possibly Damaging"; Align-GVGD: "Class C0". The threonine amino acid residue is found in multiple mammalian species, which suggests that this missense change does not adversely affect protein function. In summary, the available evidence is currently insufficient to determine the role of this variant in disease. Therefore, it has been classified as a Variant of Uncertain Significance.

Illumina Laboratory Services, Illumina
Classification: Uncertain significance for ALG11-congenital disorder of glycosylation. Last evaluated: 2018-01-13. Review status: criteria provided, single submitter. Criteria: ICSL Variant Classification Criteria 13 December 2019. Collection method: clinical testing. Allele origin: germline.